The following is an entry in ClinVar:

Conditions:
Breast-ovarian cancer, familial, susceptibility to, 1 (BROVCA1). Also called: BRCA1 Hereditary Breast and Ovarian Cancer; OVARIAN CANCER, SUSCEPTIBILITY TO. Identifiers: Orphanet 145, MedGen C2676676, MONDO:0011450, OMIM 604370. Disease mechanism: loss of function.

Submission:

Brotman Baty Institute, University of Washington
No classification provided (evidence only). Condition: Breast-ovarian cancer, familial 1. Review status: no classification provided. Collection method: in vitro. Allele origin: not applicable. Functional consequence: functionally_normal.
ClinVar note: "not provided" was previously submitted as the classification for the variant. However, the classification appeared to be based only on an observation of functional data so it was converted to no classification on 2025-07-30.

NM_007294.4(BRCA1):c.5315T>C (p.Phe1772Ser)

Gene: BRCA1 (BRCA1 DNA repair associated; minus strand). Cytogenetic location: 17q21.31.
Variant type: single nucleotide variant.
Coding change: c.5315T>C on transcript NM_007294.4 (MANE Select); coding-DNA position 5315, T replaced by C.
Protein change: p.Phe1772Ser; replaces phenylalanine 1772 with serine.
Molecular consequence: missense variant. On other transcripts: non-coding transcript variant (1).
Genome position (GRCh38, 1-based): chr17:43,051,080, A>G on the plus strand (T>C on the coding strand, the complement: BRCA1 is on the minus strand). VCF-style: chr17-43051080-A-G. GRCh37 (hg19) VCF-style: chr17-41203097-A-G.
Other names: c.5102T>C, p.Phe1701Ser (NM_001407571.1, NM_001407894.1, NM_001407895.1 and 12 more transcripts); c.5381T>C, p.Phe1794Ser (NM_001407581.1, NM_001407582.1); c.5378T>C, p.Phe1793Ser (NM_001407583.1, NM_001407585.1, NM_001407587.1 and 1 more transcripts); c.5375T>C, p.Phe1792Ser (NM_001407590.1, NM_001407591.1); c.5315T>C, p.Phe1772Ser (NM_001407593.1, NM_001407594.1, NM_001407596.1 and 6 more transcripts); c.5312T>C, p.Phe1771Ser (NM_001407617.1, NM_001407618.1, NM_001407619.1 and 17 more transcripts); c.5309T>C, p.Phe1770Ser (NM_001407636.1, NM_001407637.1, NM_001407638.1 and 14 more transcripts); c.5306T>C, p.Phe1769Ser (NM_001407644.1, NM_001407645.1); and 72 more; short protein forms F1772S, F1725S, F1793S, F668S, F1475S, F1643S, F1645S, F1702S.
Identifiers: ClinVar variation 865297 (VCV000865297.3), dbSNP rs1555575700, ClinGen allele CA10590921.